The following is an entry in ClinVar:

NM_005554.4(KRT6A):c.285C>T (p.Gly95=)

Gene: KRT6A (keratin 6A; minus strand). Cytogenetic location: 12q13.13.
Variant type: single nucleotide variant.
Coding change: c.285C>T on transcript NM_005554.4 (MANE Select); coding-DNA position 285, C replaced by T.
Protein change: p.Gly95=; no amino-acid change (glycine 95 retained).
Molecular consequence: synonymous variant.
Genome position (GRCh38, 1-based): chr12:52,492,904, G>A on the plus strand (C>T on the coding strand, the complement: KRT6A is on the minus strand). VCF-style: chr12-52492904-G-A. GRCh37 (hg19) VCF-style: chr12-52886688-G-A.
Identifiers: ClinVar variation 3045037 (VCV003045037.2), dbSNP rs765981606, ClinGen allele CA6582309.

ClinVar aggregate classification (germline): Likely benign (0 of 4 stars; one submission).

Conditions:
KRT6A-related disorder. Also called: KRT6A-related condition.

Allele frequency attached by ClinVar (database versions not stated): ExAC 0.00001; gnomAD 0.00001; gnomAD exomes 0.00003.

Submission:

PreventionGenetics, part of Exact Sciences
Classification: Likely benign for KRT6A-related condition. Last evaluated: 2019-10-07. Review status: no assertion criteria provided. Collection method: clinical testing. Allele origin: germline.
Comment: This variant is classified as likely benign based on ACMG/AMP sequence variant interpretation guidelines (Richards et al. 2015 PMID: 25741868, with internal and published modifications).